The following is an entry in ClinVar:

ClinVar aggregate classification (germline): Conflicting classifications of pathogenicity. Review status: criteria provided, conflicting classifications (1 of 4 stars). 4 submissions from 4 submitters: Pathogenic (1); Uncertain significance (3). Last evaluated 2025-02-07.

Conditions:
Cardioencephalomyopathy, fatal infantile, due to cytochrome c oxidase deficiency 1 (MC4DN2). Also called: CYTOCHROME c OXIDASE DEFICIENCY, FATAL INFANTILE, WITH CARDIOENCEPHALOMYOPATHY; MITOCHONDRIAL COMPLEX IV DEFICIENCY, NUCLEAR TYPE 2. Identifiers: Orphanet 1561, MedGen C5399977, MONDO:0011451, OMIM 604377.

Allele frequency attached by ClinVar (database versions not stated): gnomAD 0.00002.
gnomAD v4.1: 16 of 1,607,002 alleles (0.001%); highest among the groups gnomAD compares: African/African-American, 0.0027%; no homozygotes.

Submissions (4):

GeneDx
Classification: Uncertain significance. Last evaluated: 2025-02-07. Review status: criteria provided, single submitter. Criteria: GeneDx Variant Classification Process June 2021. Collection method: clinical testing. Allele origin: germline. Affected: yes.
Comment: Not observed at significant frequency in large population cohorts (gnomAD); In silico analysis indicates that this missense variant does not alter protein structure/function; Has not been previously published as pathogenic or benign to our knowledge

Labcorp Genetics (formerly Invitae), Labcorp
Classification: Uncertain significance. Last evaluated: 2022-10-05. Review status: criteria provided, single submitter. Criteria: Invitae Variant Classification Sherloc (09022015). Collection method: clinical testing. Allele origin: germline.
Comment: This sequence change replaces arginine, which is basic and polar, with tryptophan, which is neutral and slightly polar, at codon 60 of the SCO2 protein (p.Arg60Trp). This variant is present in population databases (rs753779965, gnomAD 0.005%). This variant has not been reported in the literature in individuals affected with SCO2-related conditions. ClinVar contains an entry for this variant (Variation ID: 1416404). Advanced modeling of protein sequence and biophysical properties (such as structural, functional, and spatial information, amino acid conservation, physicochemical variation, residue mobility, and thermodynamic stability) performed at Invitae indicates that this missense variant is not expected to disrupt SCO2 protein function. In summary, the available evidence is currently insufficient to determine the role of this variant in disease. Therefore, it has been classified as a Variant of Uncertain Significance.

Blueprint Genetics
Classification: Uncertain significance. Last evaluated: 2022-08-10. Review status: criteria provided, single submitter. Criteria: ACMG Guidelines, 2015. Collection method: clinical testing. Allele origin: germline.

Institute of Human Genetics Munich, TUM University Hospital
Classification: Pathogenic for Cardioencephalomyopathy, fatal infantile, due to cytochrome c oxidase deficiency 1. Last evaluated: 2021-10-06. Review status: criteria provided, single submitter. Criteria: Classification criteria August 2017. Collection method: clinical testing. Allele origin: germline. Inheritance: Autosomal recessive inheritance. Affected: yes. Observed: 1 variant allele.

NM_005138.3(SCO2):c.178C>T (p.Arg60Trp)

Genes: NCAPH2 (non-SMC condensin II complex subunit H2; plus strand), SCO2 (synthesis of cytochrome C oxidase 2; minus strand). Cytogenetic location: 22q13.33.
Variant type: single nucleotide variant.
Coding change: c.178C>T on transcript NM_005138.3 (MANE Select); coding-DNA position 178, C replaced by T.
Protein change: p.Arg60Trp; replaces arginine 60 with tryptophan.
Molecular consequence: missense variant. On other transcripts: 3 prime UTR variant (2).
Genome position (GRCh38, 1-based): chr22:50,524,234, G>A on the plus strand (C>T on the coding strand, the complement: SCO2 is on the minus strand). VCF-style: chr22-50524234-G-A. GRCh37 (hg19) VCF-style: chr22-50962663-G-A.
Other names: c.178C>T (NM_005138.2); c.*859G>A (NM_001185011.2, NM_152299.4); c.178C>T, p.Arg60Trp (NM_001169109.2, NM_001169110.1, NM_001169111.2); short protein forms R60W.
Identifiers: ClinVar variation 1416404 (VCV001416404.6), dbSNP rs753779965, ClinGen allele CA10321279.